The following is an entry in ClinVar:

ClinVar aggregate classification (germline): Likely pathogenic (1 of 4 stars; one submission).

Submission:

CeGaT Center for Human Genetics Tuebingen
Classification: Likely pathogenic. Last evaluated: 2023-04-01. Review status: criteria provided, single submitter. Criteria: CeGaT Center For Human Genetics Tuebingen Variant Classification Criteria Version 2. Collection method: clinical testing. Allele origin: germline. Affected: yes. Observed: 1 variant allele.
Comment: TSC2: PS2, PM2, PM5:Supporting

NM_000548.5(TSC2):c.1057_1059delinsTTT (p.Leu353Phe)

Gene: TSC2 (TSC complex subunit 2; plus strand). Cytogenetic location: 16p13.3.
Variant type: Indel.
Coding change: c.1057_1059delinsTTT on transcript NM_000548.5 (MANE Select); coding-DNA positions 1057 to 1059, CTC replaced by TTT.
Protein change: p.Leu353Phe; replaces leucine 353 with phenylalanine.
Molecular consequence: missense variant. On other transcripts: 5 prime UTR variant (10), non-coding transcript variant (5).
Genome position (GRCh38, 1-based): chr16:2,060,751-2,060,753, CTC replaced by TTT. VCF-style: chr16-2060751-CTC-TTT. GRCh37 (hg19) VCF-style: chr16-2110752-CTC-TTT.
Other names: c.1147_1149delinsTTT, p.Leu383Phe (NM_001406667.1, NM_001406668.1); c.946_948delinsTTT, p.Leu316Phe (NM_001406670.1, NM_001318827.2, NM_001406678.1); c.1045_1047delinsTTT, p.Leu349Phe (NM_001406671.1, NM_001406673.1); c.910_912delinsTTT, p.Leu304Phe (NM_001406675.1, NM_001406676.1, NM_001318829.2 and 1 more transcripts); c.1000_1002delinsTTT, p.Leu334Phe (NM_001406677.1); c.1057_1059delinsTTT, p.Leu353Phe (NM_001077183.3, NM_001114382.3, NM_001363528.2 and 6 more transcripts); c.457_459delinsTTT, p.Leu153Phe (NM_001318831.2, NM_001406688.1, NM_001406680.1 and 6 more transcripts); c.1090_1092delinsTTT, p.Leu364Phe (NM_001318832.2); and 4 more; short protein forms L153F, L199F, L304F, L316F, L334F, L349F, L353F, L364F.
Identifiers: ClinVar variation 2570922 (VCV002570922.27), dbSNP rs2548521746, ClinGen allele CA2580613365.